The following is an entry in ClinVar:

ClinVar aggregate classification (germline): Uncertain significance. Review status: criteria provided, multiple submitters, no conflicts (2 of 4 stars). 2 submissions from 2 submitters: Uncertain significance (2). Last evaluated 2025-09-10.

Conditions:
Progressive familial heart block type IB (PFHB1B). Identifiers: Orphanet 871, MedGen C1970298, MONDO:0011474, OMIM 604559.
Cardiovascular phenotype. Identifiers: MedGen CN230736.

Allele frequency attached by ClinVar (database versions not stated): gnomAD exomes below 0.00001; gnomAD 0.00001.
gnomAD v4.1: 5 of 1,613,966 alleles (0.00031%); highest among the groups gnomAD compares: Non-Finnish European, 0.00042%; no homozygotes.

Submissions (2):

Ambry Genetics
Classification: Uncertain significance for Cardiovascular phenotype. Last evaluated: 2025-09-10. Review status: criteria provided, single submitter. Criteria: Ambry Variant Classification Scheme 2023. Collection method: clinical testing. Allele origin: germline.

Labcorp Genetics (formerly Invitae), Labcorp
Classification: Uncertain significance for Progressive familial heart block type IB. Last evaluated: 2023-10-07. Review status: criteria provided, single submitter. Criteria: Invitae Variant Classification Sherloc (09022015). Collection method: clinical testing. Allele origin: germline.
Comment: This sequence change replaces proline, which is neutral and non-polar, with serine, which is neutral and polar, at codon 885 of the TRPM4 protein (p.Pro885Ser). This variant is present in population databases (no rsID available, gnomAD 0.002%). This variant has not been reported in the literature in individuals affected with TRPM4-related conditions. An algorithm developed to predict the effect of missense changes on protein structure and function (PolyPhen-2) suggests that this variant is likely to be tolerated. In summary, the available evidence is currently insufficient to determine the role of this variant in disease. Therefore, it has been classified as a Variant of Uncertain Significance.

NM_017636.4(TRPM4):c.2653C>T (p.Pro885Ser)

Gene: TRPM4 (transient receptor potential cation channel subfamily M member 4; plus strand). Cytogenetic location: 19q13.33.
Variant type: single nucleotide variant.
Coding change: c.2653C>T on transcript NM_017636.4 (MANE Select); coding-DNA position 2653, C replaced by T.
Protein change: p.Pro885Ser; replaces proline 885 with serine.
Molecular consequence: missense variant.
Genome position (GRCh38, 1-based): chr19:49,200,307, C>T. VCF-style: chr19-49200307-C-T. GRCh37 (hg19) VCF-style: chr19-49703564-C-T.
Other names: c.2218C>T, p.Pro740Ser (NM_001195227.2); c.2308C>T, p.Pro770Ser (NM_001321281.2); c.1045C>T, p.Pro349Ser (NM_001321282.2); c.2131C>T, p.Pro711Ser (NM_001321283.2); c.1591C>T, p.Pro531Ser (NM_001321285.2); c.2653C>T (NM_017636.3); short protein forms P531S, P349S, P770S, P885S, P711S, P740S.
Identifiers: ClinVar variation 2875695 (VCV002875695.4), dbSNP rs1297134990, ClinGen allele CA406809980.